The following is an entry in ClinVar:

NM_005450.6(NOG):c.445delinsGA (p.Leu149fs)

Gene: NOG (noggin; plus strand). Cytogenetic location: 17q22.
Variant type: Indel.
Coding change: c.445delinsGA on transcript NM_005450.6 (MANE Select); coding-DNA position 445, C replaced by GA.
Protein change: p.Leu149fs; shifts the reading frame from leucine 149.
Molecular consequence: frameshift variant.
Genome position (GRCh38, 1-based): chr17:56,594,668, C replaced by GA. VCF-style: chr17-56594668-C-GA. GRCh37 (hg19) VCF-style: chr17-54672029-C-GA.
Other names: short protein forms L149fs.
Identifiers: ClinVar variation 4875455 (VCV004875455.2).
Genomic context (GRCh38, chr17:56,594,668, plus strand): 5'-TTGGCCCAGGGCAAGAAGCAGCGCCTAAGCAAGAAGCTGCGGAGGAAGTTACAGATGTGG[C>GA]TGTGGTCGCAGACATTCTGCCCCGTGCTGTACGCGTGGAACGACCTGGGCAGCCGCTTTT-3'

ClinVar aggregate classification (germline): Pathogenic (1 of 4 stars; one submission).

Submission:

CeGaT Center for Human Genetics Tuebingen
Classification: Pathogenic. Last evaluated: 2026-04-01. Review status: criteria provided, single submitter. Criteria: CeGaT Center For Human Genetics Tuebingen Variant Classification Criteria Version 2. Collection method: clinical testing. Allele origin: germline. Affected: yes. Observed: 1 variant allele.
Comment: NOG: PVS1, PM2